The following is an entry in ClinVar:

ClinVar aggregate classification (germline): Uncertain significance (1 of 4 stars; one submission).

Conditions:
Cardiovascular phenotype. Identifiers: MedGen CN230736.

Allele frequency attached by ClinVar (database versions not stated): gnomAD exomes below 0.00001; TOPMed 0.00001.
gnomAD v4.1: 1 of 1,612,958 alleles (0.000062%); highest among the groups gnomAD compares: Non-Finnish European, 0.000085%; no homozygotes.

Submission:

Ambry Genetics
Classification: Uncertain significance for Cardiovascular phenotype. Last evaluated: 2022-05-23. Review status: criteria provided, single submitter. Criteria: Ambry Variant Classification Scheme 2023. Collection method: clinical testing. Allele origin: germline.
Comment: The p.I86T variant (also known as c.257T>C), located in coding exon 3 of the CACNA2D1 gene, results from a T to C substitution at nucleotide position 257. The isoleucine at codon 86 is replaced by threonine, an amino acid with similar properties. This amino acid position is conserved. In addition, the in silico prediction for this alteration is inconclusive. Since supporting evidence is limited at this time, the clinical significance of this alteration remains unclear.

NM_000722.4(CACNA2D1):c.257T>C (p.Ile86Thr)

Gene: CACNA2D1 (calcium voltage-gated channel auxiliary subunit alpha2delta 1; minus strand). Cytogenetic location: 7q21.11.
Variant type: single nucleotide variant.
Coding change: c.257T>C on transcript NM_000722.4 (MANE Select); coding-DNA position 257, T replaced by C.
Protein change: p.Ile86Thr; replaces isoleucine 86 with threonine.
Molecular consequence: missense variant.
Genome position (GRCh38, 1-based): chr7:82,335,172, A>G on the plus strand (T>C on the coding strand, the complement: CACNA2D1 is on the minus strand). VCF-style: chr7-82335172-A-G. GRCh37 (hg19) VCF-style: chr7-81964488-A-G.
Other names: c.257T>C, p.Ile86Thr (NM_001302890.2, NM_001366867.1); short protein forms I86T.
Identifiers: ClinVar variation 1793362 (VCV001793362.2), dbSNP rs1316113850, ClinGen allele CA368017809.